The following is an entry in ClinVar:

NM_016373.4(WWOX):c.286G>A (p.Asp96Asn)

Gene: WWOX (WW domain containing oxidoreductase; plus strand). Cytogenetic location: 16q23.1.
Variant type: single nucleotide variant.
Coding change: c.286G>A on transcript NM_016373.4 (MANE Select); coding-DNA position 286, G replaced by A.
Protein change: p.Asp96Asn; replaces aspartic acid 96 with asparagine.
Molecular consequence: missense variant. On other transcripts: 5 prime UTR variant (1), non-coding transcript variant (1).
Genome position (GRCh38, 1-based): chr16:78,115,031, G>A. VCF-style: chr16-78115031-G-A. GRCh37 (hg19) VCF-style: chr16-78148928-G-A.
Other names: c.-54G>A (NM_001291997.2); c.286G>A, p.Asp96Asn (NM_130791.5); short protein forms D96N.
Identifiers: ClinVar variation 1009740 (VCV001009740.7), dbSNP rs1461547362, ClinGen allele CA396842392.

ClinVar aggregate classification (germline): Uncertain significance (1 of 4 stars; one submission).

Conditions:
Developmental and epileptic encephalopathy, 1 (DEE1). Also called: Epileptic encephalopathy, early infantile, 1; INFANTILE SPASM SYNDROME, X-LINKED 1; X-linked infantile spasms; West's syndrome; Tonic spasms with clustering, arrest of psychomotor development and hypsarrhythmia on EEG; X-Linked Infantile Spasm Syndrome. Identifiers: MedGen C3463992, MONDO:0010632, OMIM 308350. Disease mechanism: loss of function.
Autosomal recessive spinocerebellar ataxia 12. Also called: SPINOCEREBELLAR ATAXIA WITH MENTAL RETARDATION AND EPILEPSY. Identifiers: Orphanet 284282, MedGen C3280452, MONDO:0013687, OMIM 614322.

Allele frequency attached by ClinVar (database versions not stated): gnomAD exomes below 0.00001 and 0.00001; TOPMed below 0.00001.
gnomAD v4.1: 2 of 1,614,206 alleles (0.00012%); no homozygotes.

Submission:

Labcorp Genetics (formerly Invitae), Labcorp
Classification: Uncertain significance for Developmental and epileptic encephalopathy, 1; Autosomal recessive spinocerebellar ataxia 12. Last evaluated: 2020-02-12. Review status: criteria provided, single submitter. Criteria: Invitae Variant Classification Sherloc (09022015). Collection method: clinical testing. Allele origin: germline.
Comment: This variant has not been reported in the literature in individuals with WWOX-related conditions. This sequence change replaces aspartic acid with asparagine at codon 96 of the WWOX protein (p.Asp96Asn). The aspartic acid residue is highly conserved and there is a small physicochemical difference between aspartic acid and asparagine. This variant is not present in population databases (ExAC no frequency). Algorithms developed to predict the effect of missense changes on protein structure and function are either unavailable or do not agree on the potential impact of this missense change (SIFT: "Not Available"; PolyPhen-2: "Possibly Damaging"; Align-GVGD: "Not Available"). In summary, the available evidence is currently insufficient to determine the role of this variant in disease. Therefore, it has been classified as a Variant of Uncertain Significance.